The following is an entry in ClinVar:

NM_006059.4(LAMC3):c.1281C>T (p.Cys427=)

Gene: LAMC3 (laminin subunit gamma 3; plus strand). Cytogenetic location: 9q34.12.
Variant type: single nucleotide variant.
Coding change: c.1281C>T on transcript NM_006059.4 (MANE Select); coding-DNA position 1281, C replaced by T.
Protein change: p.Cys427=; no amino-acid change (cysteine 427 retained).
Molecular consequence: synonymous variant.
Genome position (GRCh38, 1-based): chr9:131,039,246, C>T. VCF-style: chr9-131039246-C-T. GRCh37 (hg19) VCF-style: chr9-133914633-C-T.
Identifiers: ClinVar variation 2093088 (VCV002093088.3), dbSNP rs1834000768, ClinGen allele CA467401548.

ClinVar aggregate classification (germline): Uncertain significance (1 of 4 stars; one submission).

Allele frequency attached by ClinVar (database versions not stated): TOPMed below 0.00001.

Submission:

Labcorp Genetics (formerly Invitae), Labcorp
Classification: Uncertain significance. Last evaluated: 2024-02-23. Review status: criteria provided, single submitter. Criteria: Invitae Variant Classification Sherloc (09022015). Collection method: clinical testing. Allele origin: germline.
Comment: This sequence change affects codon 427 of the LAMC3 mRNA. It is a 'silent' change, meaning that it does not change the encoded amino acid sequence of the LAMC3 protein. This variant is not present in population databases (gnomAD no frequency). This variant has not been reported in the literature in individuals affected with LAMC3-related conditions. ClinVar contains an entry for this variant (Variation ID: 2093088). Algorithms developed to predict the effect of sequence changes on RNA splicing suggest that this variant may disrupt the consensus splice site. In summary, the available evidence is currently insufficient to determine the role of this variant in disease. Therefore, it has been classified as a Variant of Uncertain Significance.